The following is an entry in ClinVar:

NM_000760.4(CSF3R):c.1260T>C (p.Thr420=)

Gene: CSF3R (colony stimulating factor 3 receptor; minus strand). Cytogenetic location: 1p34.3.
Variant type: single nucleotide variant.
Coding change: c.1260T>C on transcript NM_000760.4 (MANE Select); coding-DNA position 1260, T replaced by C.
Protein change: p.Thr420=; no amino-acid change (threonine 420 retained).
Molecular consequence: synonymous variant.
Genome position (GRCh38, 1-based): chr1:36,471,458, A>G on the plus strand (T>C on the coding strand, the complement: CSF3R is on the minus strand). VCF-style: chr1-36471458-A-G. GRCh37 (hg19) VCF-style: chr1-36937059-A-G.
Other names: p.Thr420=; c.1260T>C, p.Thr420= (NM_156039.3, NM_172313.3).
Identifiers: ClinVar variation 256790 (VCV000256790.22), dbSNP rs3917981, ClinGen allele CA769248.

ClinVar aggregate classification (germline): Benign/Likely benign. Review status: criteria provided, multiple submitters, no conflicts (2 of 4 stars). 9 submissions from 9 submitters: Benign (8); Likely benign (1). Last evaluated 2026-02-04.

Conditions:
Autosomal recessive severe congenital neutropenia due to CSF3R deficiency. Also called: Neutropenia, severe congenital, 7, autosomal recessive. Identifiers: Orphanet 420702, MedGen C4310764, MONDO:0014865, OMIM 617014.

Allele frequency attached by ClinVar (database versions not stated): gnomAD exomes 0.55357; ExAC 0.56481; TOPMed 0.58297; 1000 Genomes Project 0.59245; 1000 Genomes Project 30x 0.59400; gnomAD 0.59499 and 0.59625; ESP Exome Variant Server 0.60857.
gnomAD v4.1: 901,766 of 1,613,338 alleles (56%); highest among the groups gnomAD compares: African/African-American, 72%; 255,538 homozygotes.

Submissions (9):

Labcorp Genetics (formerly Invitae), Labcorp
Classification: Benign for Autosomal recessive severe congenital neutropenia due to CSF3R deficiency. Last evaluated: 2026-02-04. Review status: criteria provided, single submitter. Criteria: Invitae Variant Classification Sherloc (09022015). Collection method: clinical testing. Allele origin: germline.

Women's Health and Genetics/Laboratory Corporation of America, LabCorp
Classification: Benign. Last evaluated: 2026-01-21. Review status: criteria provided, single submitter. Criteria: LabCorp Variant Classification Summary - May 2015. Collection method: clinical testing. Allele origin: germline.

ARUP Laboratories, Molecular Genetics and Genomics, ARUP Laboratories
Classification: Benign. Last evaluated: 2025-07-28. Review status: criteria provided, single submitter. Criteria: ARUP Molecular Germline Variant Investigation Process 2024. Collection method: clinical testing. Allele origin: germline.

Blueprint Genetics
Classification: Likely benign. Last evaluated: 2024-11-26. Review status: criteria provided, single submitter. Criteria: ACMG Guidelines, 2015. Collection method: clinical testing. Allele origin: germline.

Genome-Nilou Lab
Classification: Benign for Autosomal recessive severe congenital neutropenia due to CSF3R deficiency. Last evaluated: 2021-07-30. Review status: criteria provided, single submitter. Criteria: ACMG Guidelines, 2015. Collection method: clinical testing. Allele origin: germline. Affected: no.

Mayo Clinic Laboratories, Mayo Clinic
Classification: Benign. Last evaluated: 2018-03-29. Review status: criteria provided, single submitter. Criteria: ACMG Guidelines, 2015. Collection method: clinical testing. Allele origin: germline. Observed: 1,021 variant alleles.

Laboratory for Molecular Medicine, Mass General Brigham Personalized Medicine
Classification: Benign. Last evaluated: 2016-03-29. Review status: criteria provided, single submitter. Criteria: LMM Criteria. Collection method: clinical testing. Allele origin: germline.
Comment: Variant identified in a genome or exome case(s) and assessed due to predicted null impact of the variant or pathogenic assertions in the literature or databases. Disclaimer: This variant has not undergone full assessment. The following are preliminary notes: Frequency

Breakthrough Genomics
Classification: Benign. Review status: criteria provided, single submitter. Criteria: ACMG Guidelines, 2015. Collection method: not provided. Allele origin: germline. Inheritance: Autosomal recessive inheritance. Affected: yes.

PreventionGenetics, part of Exact Sciences
Classification: Benign. Review status: criteria provided, single submitter. Criteria: ACMG Guidelines, 2015. Collection method: clinical testing. Allele origin: germline.

Literature cited by the submitters: PubMed 23896413 (cited by Women's Health and Genetics/Laboratory Corporation of America, LabCorp); PubMed 28302714 (cited by Women's Health and Genetics/Laboratory Corporation of America, LabCorp); PubMed 24627528 (cited by Women's Health and Genetics/Laboratory Corporation of America, LabCorp); PubMed 23656643 (cited by Women's Health and Genetics/Laboratory Corporation of America, LabCorp); PubMed 23604229 (cited by Women's Health and Genetics/Laboratory Corporation of America, LabCorp); PubMed 27069254 (cited by Women's Health and Genetics/Laboratory Corporation of America, LabCorp).